The following is an entry in ClinVar:

ClinVar aggregate classification (germline): Uncertain significance (1 of 4 stars; one submission).

Conditions:
Hereditary cancer-predisposing syndrome. Also called: Neoplastic Syndromes, Hereditary; Tumor predisposition; Hereditary neoplastic syndrome; Hereditary Cancer Syndrome. Identifiers: Orphanet 140162, MedGen C0027672, MeSH D009386, MONDO:0015356.

Submission:

Ambry Genetics
Classification: Uncertain significance for Hereditary cancer-predisposing syndrome. Last evaluated: 2023-09-28. Review status: criteria provided, single submitter. Criteria: Ambry Variant Classification Scheme 2023. Collection method: clinical testing. Allele origin: germline.
Comment: The p.N406T variant (also known as c.1217A>C), located in coding exon 7 of the KIT gene, results from an A to C substitution at nucleotide position 1217. The asparagine at codon 406 is replaced by threonine, an amino acid with similar properties. This amino acid position is conserved. In addition, this alteration is predicted to be tolerated by in silico analysis. Since supporting evidence is limited at this time, the clinical significance of this alteration remains unclear.

NM_000222.3(KIT):c.1217A>C (p.Asn406Thr)

Gene: KIT (KIT proto-oncogene, receptor tyrosine kinase; plus strand). Cytogenetic location: 4q12.
Variant type: single nucleotide variant.
Coding change: c.1217A>C on transcript NM_000222.3 (MANE Select); coding-DNA position 1217, A replaced by C.
Protein change: p.Asn406Thr; replaces asparagine 406 with threonine.
Molecular consequence: missense variant.
Genome position (GRCh38, 1-based): chr4:54,709,525, A>C. VCF-style: chr4-54709525-A-C. GRCh37 (hg19) VCF-style: chr4-55575691-A-C.
Other names: c.1217A>C, p.Asn406Thr (NM_001093772.2, NM_001385285.1, NM_001385286.1); c.1220A>C, p.Asn407Thr (NM_001385284.1, NM_001385288.1, NM_001385290.1 and 1 more transcripts); short protein forms N406T, N407T.
Identifiers: ClinVar variation 3230651 (VCV003230651.1), dbSNP rs771574892, ClinGen allele CA356902671.